The following is an entry in ClinVar:

NM_201525.4(ADGRG1):c.535C>T (p.Leu179Phe)

Gene: ADGRG1 (adhesion G protein-coupled receptor G1; plus strand). Cytogenetic location: 16q21.
Variant type: single nucleotide variant.
Coding change: c.535C>T on transcript NM_201525.4 (MANE Select); coding-DNA position 535, C replaced by T.
Protein change: p.Leu179Phe; replaces leucine 179 with phenylalanine.
Molecular consequence: missense variant. On other transcripts: intron variant (1).
Genome position (GRCh38, 1-based): chr16:57,653,250, C>T. VCF-style: chr16-57653250-C-T. GRCh37 (hg19) VCF-style: chr16-57687162-C-T.
Other names: c.535C>T, p.Leu179Phe (NM_001145770.3, NM_001145771.3, NM_001145772.3 and 16 more transcripts); c.550C>T, p.Leu184Phe (NM_001145773.3, NM_001370433.1); c.10C>T, p.Leu4Phe (NM_001290143.2, NM_001290144.2, NM_001370451.1 and 2 more transcripts); c.111-736C>T (NM_001290142.2); c.379C>T, p.Leu127Phe (NM_001370442.1); short protein forms L179F, L4F, L127F, L184F.
Identifiers: ClinVar variation 3674834 (VCV003674834.2).

ClinVar aggregate classification (germline): Uncertain significance (1 of 4 stars; one submission).

Submission:

Labcorp Genetics (formerly Invitae), Labcorp
Classification: Uncertain significance. Last evaluated: 2025-08-11. Review status: criteria provided, single submitter. Criteria: Invitae Variant Classification Sherloc (09022015). Collection method: clinical testing. Allele origin: germline.
Comment: This sequence change replaces leucine, which is neutral and non-polar, with phenylalanine, which is neutral and non-polar, at codon 179 of the ADGRG1 protein (p.Leu179Phe). This variant is present in population databases (no rsID available, gnomAD 0.003%). This variant has not been reported in the literature in individuals affected with ADGRG1-related conditions. ClinVar contains an entry for this variant (Variation ID: 3674834). Invitae Evidence Modeling of protein sequence and biophysical properties (such as structural, functional, and spatial information, amino acid conservation, physicochemical variation, residue mobility, and thermodynamic stability) has been performed for this missense variant. However, the output from this modeling did not meet the statistical confidence thresholds required to predict the impact of this variant on ADGRG1 protein function. In summary, the available evidence is currently insufficient to determine the role of this variant in disease. Therefore, it has been classified as a Variant of Uncertain Significance.